The following is an entry in ClinVar:

NM_003098.3(SNTA1):c.388T>C (p.Phe130Leu)

Gene: SNTA1 (syntrophin alpha 1; minus strand). Cytogenetic location: 20q11.21.
Variant type: single nucleotide variant.
Coding change: c.388T>C on transcript NM_003098.3 (MANE Select); coding-DNA position 388, T replaced by C.
Protein change: p.Phe130Leu; replaces phenylalanine 130 with leucine.
Molecular consequence: missense variant.
Genome position (GRCh38, 1-based): chr20:33,438,949, A>G on the plus strand (T>C on the coding strand, the complement: SNTA1 is on the minus strand). VCF-style: chr20-33438949-A-G. GRCh37 (hg19) VCF-style: chr20-32026755-A-G.
Other names: short protein forms F130L.
Identifiers: ClinVar variation 190929 (VCV000190929.12), dbSNP rs199964677, ClinGen allele CA302315.
Genomic context (GRCh38, chr20:33,438,949, plus strand): 5'-CATCATGGGTAGCAGAGGACAAGTCTTCCCCATTCACAGACAGGATGGCATCCCCCACAA[A>G]AAGGGCCTCTGTCTGGTCAGCTGCCAATCCCTTGAAGATCTTGGAAATGAGAATAGGCAT-3'
Protein context (NP_003089.1, residues 120-140): GLAADQTEAL[Phe130Leu]VGDAILSVNG

ClinVar aggregate classification (germline): Uncertain significance. Review status: criteria provided, multiple submitters, no conflicts (2 of 4 stars). 3 submissions from 3 submitters: Uncertain significance (3). Last evaluated 2026-02-01.

Conditions:
Cardiovascular phenotype. Identifiers: MedGen CN230736.
Sick sinus syndrome. Identifiers: MedGen C0037052, MONDO:0001823, HP:0011704.
Long QT syndrome (LQTS). Identifiers: MedGen C0023976, MeSH D008133, MONDO:0002442. Disease mechanism: loss of function. Inheritance: Various modes of inheritance.

Allele frequency attached by ClinVar (database versions not stated): gnomAD exomes 0.00002; gnomAD 0.00004; ExAC 0.00003; TOPMed 0.00005.

Submissions (3):

Labcorp Genetics (formerly Invitae), Labcorp
Classification: Uncertain significance for Long QT syndrome. Last evaluated: 2026-02-01. Review status: criteria provided, single submitter. Criteria: Invitae Variant Classification Sherloc (09022015). Collection method: clinical testing. Allele origin: germline.
Comment: This sequence change replaces phenylalanine, which is neutral and non-polar, with leucine, which is neutral and non-polar, at codon 130 of the SNTA1 protein (p.Phe130Leu). This variant is present in population databases (rs199964677, gnomAD 0.004%). This variant has not been reported in the literature in individuals affected with SNTA1-related conditions. ClinVar contains an entry for this variant (Variation ID: 190929). Invitae Evidence Modeling of protein sequence and biophysical properties (such as structural, functional, and spatial information, amino acid conservation, physicochemical variation, residue mobility, and thermodynamic stability) indicates that this missense variant is not expected to disrupt SNTA1 protein function with a negative predictive value of 80%. In summary, the available evidence is currently insufficient to determine the role of this variant in disease. Therefore, it has been classified as a Variant of Uncertain Significance.

Ambry Genetics
Classification: Uncertain significance for Cardiovascular phenotype. Last evaluated: 2024-01-07. Review status: criteria provided, single submitter. Criteria: Ambry Variant Classification Scheme 2023. Collection method: clinical testing. Allele origin: germline.
Comment: The p.F130L variant (also known as c.388T>C), located in coding exon 2 of the SNTA1 gene, results from a T to C substitution at nucleotide position 388. The phenylalanine at codon 130 is replaced by leucine, an amino acid with highly similar properties. This amino acid position is not well conserved in available vertebrate species. In addition, this alteration is predicted to be tolerated by in silico analysis. Since supporting evidence is limited at this time, the clinical significance of this alteration remains unclear.

Institute Of Molecular Biology And Genetics, Federal Almazov National Medical Research Centre
Classification: Uncertain significance for Familial sick sinus syndrome. Last evaluated: 2017-05-17. Review status: criteria provided, single submitter. Criteria: ACMG Guidelines, 2015. Collection method: research. Allele origin: germline. Affected: yes. Observed: 1 variant allele, 1 heterozygote.
Comment: Currently there are no indications for pacemaker implantation, atrial rhythm has proper rise upon physical activity.